The following is an entry in ClinVar:

NM_017946.4(FKBP14):c.198-250_198-249insTTAA

Genes: FKBP14 (FKBP prolyl isomerase 14; minus strand), FKBP14-AS1 (FKBP14 antisense RNA 1; plus strand). Cytogenetic location: 7p14.3.
Variant type: Insertion.
Coding change: c.198-250_198-249insTTAA on transcript NM_017946.4 (MANE Select); 250 bases into the intron before coding-DNA position 198 through 249 bases into the intron before coding-DNA position 198, TTAA inserted.
Molecular consequence: intron variant.
Genome position: GRCh38 VCF-style: chr7-30023065-C-CAATT. GRCh37 (hg19) VCF-style: chr7-30062681-C-CAATT.
Identifiers: ClinVar variation 668713 (VCV000668713.1), dbSNP rs76280627, ClinGen allele CA156003390.

ClinVar aggregate classification (germline): Benign (1 of 4 stars; one submission).

Submission:

GeneDx
Classification: Benign. Last evaluated: 2018-06-19. Review status: criteria provided, single submitter. Criteria: GeneDx Variant Classification (06012015). Collection method: clinical testing. Allele origin: germline. Affected: yes.
Comment: This variant is considered likely benign or benign based on one or more of the following criteria: it is a conservative change, it occurs at a poorly conserved position in the protein, it is predicted to be benign by multiple in silico algorithms, and/or has population frequency not consistent with disease.